The following is an entry in ClinVar:

NM_000051.4(ATM):c.1504G>C (p.Ala502Pro)

Gene: ATM (ATM serine/threonine kinase; plus strand). Cytogenetic location: 11q22.3.
Variant type: single nucleotide variant.
Coding change: c.1504G>C on transcript NM_000051.4 (MANE Select); coding-DNA position 1504, G replaced by C.
Protein change: p.Ala502Pro; replaces alanine 502 with proline.
Molecular consequence: missense variant.
Genome position (GRCh38, 1-based): chr11:108,250,969, G>C. VCF-style: chr11-108250969-G-C. GRCh37 (hg19) VCF-style: chr11-108121696-G-C.
Other names: c.1504G>C, p.Ala502Pro (NM_001351834.2); short protein forms A502P.
Identifiers: ClinVar variation 3452687 (VCV003452687.1).

ClinVar aggregate classification (germline): Uncertain significance (1 of 4 stars; one submission).

Conditions:
Hereditary cancer-predisposing syndrome. Also called: Tumor predisposition; Neoplastic Syndromes, Hereditary; Hereditary neoplastic syndrome; Hereditary Cancer Syndrome. Identifiers: Orphanet 140162, MedGen C0027672, MeSH D009386, MONDO:0015356.

Submission:

Ambry Genetics
Classification: Uncertain significance for Hereditary cancer-predisposing syndrome. Last evaluated: 2024-11-15. Review status: criteria provided, single submitter. Criteria: Ambry Variant Classification Scheme 2023. Collection method: clinical testing. Allele origin: germline.
Comment: The p.A502P variant (also known as c.1504G>C), located in coding exon 9 of the ATM gene, results from a G to C substitution at nucleotide position 1504. The alanine at codon 502 is replaced by proline, an amino acid with highly similar properties. This amino acid position is conserved. In addition, this alteration is predicted to be tolerated by in silico analysis. Based on the available evidence, the clinical significance of this variant remains unclear.